The following is an entry in ClinVar:

NM_024598.4(USB1):c.646G>A (p.Gly216Ser)

Gene: USB1 (U6 snRNA biogenesis phosphodiesterase 1; plus strand). Cytogenetic location: 16q21.
Variant type: single nucleotide variant.
Coding change: c.646G>A on transcript NM_024598.4 (MANE Select); coding-DNA position 646, G replaced by A.
Protein change: p.Gly216Ser; replaces glycine 216 with serine.
Molecular consequence: missense variant.
Genome position (GRCh38, 1-based): chr16:58,019,008, G>A. VCF-style: chr16-58019008-G-A. GRCh37 (hg19) VCF-style: chr16-58052912-G-A.
Other names: c.592G>A, p.Gly198Ser (NM_001195302.2); c.493G>A, p.Gly165Ser (NM_001330568.2); short protein forms G165S, G198S, G216S.
Identifiers: ClinVar variation 1051365 (VCV001051365.9), dbSNP rs778666156, ClinGen allele CA8085005.

ClinVar aggregate classification (germline): Uncertain significance. Review status: criteria provided, multiple submitters, no conflicts (2 of 4 stars). 3 submissions from 3 submitters: Uncertain significance (3). Last evaluated 2024-01-24.

Conditions:
Poikiloderma with neutropenia (PN). Identifiers: Orphanet 221046, MedGen C1858723, MONDO:0011405, OMIM 604173.

Allele frequency attached by ClinVar (database versions not stated): gnomAD exomes 0.00002 and 0.00008; gnomAD 0.00005; TOPMed 0.00005; ExAC 0.00006.
gnomAD v4.1: 41 of 1,614,068 alleles (0.0025%); highest among the groups gnomAD compares: East Asian, 0.078%; no homozygotes.

Submissions (3):

Fulgent Genetics
Classification: Uncertain significance for Poikiloderma with neutropenia. Last evaluated: 2024-01-24. Review status: criteria provided, single submitter. Criteria: ACMG Guidelines, 2015. Collection method: clinical testing. Allele origin: germline.

Labcorp Genetics (formerly Invitae), Labcorp
Classification: Uncertain significance. Last evaluated: 2022-10-31. Review status: criteria provided, single submitter. Criteria: Invitae Variant Classification Sherloc (09022015). Collection method: clinical testing. Allele origin: germline.
Comment: This sequence change replaces glycine, which is neutral and non-polar, with serine, which is neutral and polar, at codon 216 of the USB1 protein (p.Gly216Ser). This variant is present in population databases (rs778666156, gnomAD 0.1%). This variant has not been reported in the literature in individuals affected with USB1-related conditions. ClinVar contains an entry for this variant (Variation ID: 1051365). Advanced modeling of protein sequence and biophysical properties (such as structural, functional, and spatial information, amino acid conservation, physicochemical variation, residue mobility, and thermodynamic stability) performed at Invitae indicates that this missense variant is expected to disrupt USB1 protein function. In summary, the available evidence is currently insufficient to determine the role of this variant in disease. Therefore, it has been classified as a Variant of Uncertain Significance.

Mayo Clinic Laboratories, Mayo Clinic
Classification: Uncertain significance. Last evaluated: 2021-03-16. Review status: criteria provided, single submitter. Criteria: ACMG Guidelines, 2015. Collection method: clinical testing. Allele origin: germline. Observed: 1 variant allele.